The following is an entry in ClinVar:

NM_001377295.2(GNAT2):c.118G>A (p.Gly40Ser)

Gene: GNAT2 (G protein subunit alpha transducin 2; minus strand). Cytogenetic location: 1p13.3.
Variant type: single nucleotide variant.
Coding change: c.118G>A on transcript NM_001377295.2 (MANE Select); coding-DNA position 118, G replaced by A.
Protein change: p.Gly40Ser; replaces glycine 40 with serine.
Molecular consequence: missense variant.
Genome position (GRCh38, 1-based): chr1:109,612,753, C>T on the plus strand (G>A on the coding strand, the complement: GNAT2 is on the minus strand). VCF-style: chr1-109612753-C-T. GRCh37 (hg19) VCF-style: chr1-110155375-C-T.
Other names: c.118G>A, p.Gly40Ser (NM_001379232.1, NM_005272.5); short protein forms G40S.
Identifiers: ClinVar variation 1519863 (VCV001519863.8), dbSNP rs749377354, ClinGen allele CA992528.

ClinVar aggregate classification (germline): Uncertain significance. Review status: criteria provided, multiple submitters, no conflicts (2 of 4 stars). 2 submissions from 2 submitters: Uncertain significance (2). Last evaluated 2024-10-21.

gnomAD v4.1: 18 of 1,561,978 alleles (0.0012%); highest among the groups gnomAD compares: Non-Finnish European, 0.0016%; no homozygotes.

Submissions (2):

Labcorp Genetics (formerly Invitae), Labcorp
Classification: Uncertain significance. Last evaluated: 2024-10-21. Review status: criteria provided, single submitter. Criteria: Invitae Variant Classification Sherloc (09022015). Collection method: clinical testing. Allele origin: germline.
Comment: This sequence change replaces glycine, which is neutral and non-polar, with serine, which is neutral and polar, at codon 40 of the GNAT2 protein (p.Gly40Ser). This variant also falls at the last nucleotide of exon 1, which is part of the consensus splice site for this exon. This variant is present in population databases (rs749377354, gnomAD 0.006%). This variant has not been reported in the literature in individuals affected with GNAT2-related conditions. ClinVar contains an entry for this variant (Variation ID: 1519863). An algorithm developed to predict the effect of missense changes on protein structure and function (PolyPhen-2) suggests that this variant is likely to be disruptive. Variants that disrupt the consensus splice site are a relatively common cause of aberrant splicing (PMID: 17576681, 9536098). In summary, the available evidence is currently insufficient to determine the role of this variant in disease. Therefore, it has been classified as a Variant of Uncertain Significance.

Blueprint Genetics
Classification: Uncertain significance. Last evaluated: 2022-06-20. Review status: criteria provided, single submitter. Criteria: ACMG Guidelines, 2015. Collection method: clinical testing. Allele origin: germline.

Literature cited by the submitters: PubMed 17576681 (cited by Labcorp Genetics (formerly Invitae), Labcorp); PubMed 9536098 (cited by Labcorp Genetics (formerly Invitae), Labcorp).